The following is an entry in ClinVar:

ClinVar aggregate classification (germline): Uncertain significance (1 of 4 stars; one submission).

Submission:

Ambry Genetics
Classification: Uncertain significance. Last evaluated: 2024-05-19. Review status: criteria provided, single submitter. Criteria: Ambry Variant Classification Scheme 2023. Collection method: clinical testing. Allele origin: germline.
Comment: The p.N434Y variant (also known as c.1300A>T), located in coding exon 9 of the MYLK2 gene, results from an A to T substitution at nucleotide position 1300. The asparagine at codon 434 is replaced by tyrosine, an amino acid with dissimilar properties. This amino acid position is conserved. In addition, this alteration is predicted to be tolerated by in silico analysis. Based on the available evidence, the clinical significance of this variant remains unclear.

NM_033118.4(MYLK2):c.1300A>T (p.Asn434Tyr)

Gene: MYLK2 (myosin light chain kinase 2; plus strand). Cytogenetic location: 20q11.21.
Variant type: single nucleotide variant.
Coding change: c.1300A>T on transcript NM_033118.4 (MANE Select); coding-DNA position 1300, A replaced by T.
Protein change: p.Asn434Tyr; replaces asparagine 434 with tyrosine.
Molecular consequence: missense variant.
Genome position (GRCh38, 1-based): chr20:31,831,017, A>T. VCF-style: chr20-31831017-A-T. GRCh37 (hg19) VCF-style: chr20-30418820-A-T.
Other names: short protein forms N434Y.
Identifiers: ClinVar variation 3297629 (VCV003297629.1).
Genomic context (GRCh38, chr20:31,831,017, plus strand): 5'-AGGGGGCATGGGTATAGGCCAGGAGCTGTGCTCTCAGCCCTTGGTCTCACCCCCAGGTAT[A>T]ACCCCAACGAGAAGCTGAAGGTGAACTTTGGGACCCCAGAGTTCCTGTCACCTGAGGTGG-3'
Protein context (NP_149109.1, residues 424-444): IIDFGLARRY[Asn434Tyr]PNEKLKVNFG